The following is an entry in ClinVar:

ClinVar aggregate classification (germline): Uncertain significance. Review status: criteria provided, multiple submitters, no conflicts (2 of 4 stars). 3 submissions from 3 submitters: Uncertain significance (3). Last evaluated 2025-11-06.

Conditions:
Inborn genetic diseases. Identifiers: MedGen C0950123, MeSH D030342.

Allele frequency attached by ClinVar (database versions not stated): gnomAD exomes 0.00005 and 0.00003; 1000 Genomes Project 0.00020; 1000 Genomes Project 30x 0.00031; ExAC 0.00004; ESP Exome Variant Server 0.00015; gnomAD 0.00026 and 0.00029; TOPMed 0.00035.
gnomAD v4.1: 79 of 1,614,192 alleles (0.0049%); highest among the groups gnomAD compares: African/African-American, 0.093%; 1 homozygote.

Submissions (3):

Ambry Genetics
Classification: Uncertain significance for Inborn genetic diseases. Last evaluated: 2025-11-06. Review status: criteria provided, single submitter. Criteria: Ambry Variant Classification Scheme 2023. Collection method: clinical testing. Allele origin: germline.

Labcorp Genetics (formerly Invitae), Labcorp
Classification: Uncertain significance. Last evaluated: 2022-08-16. Review status: criteria provided, single submitter. Criteria: Invitae Variant Classification Sherloc (09022015). Collection method: clinical testing. Allele origin: germline.
Comment: This sequence change replaces arginine, which is basic and polar, with lysine, which is basic and polar, at codon 2616 of the LAMA1 protein (p.Arg2616Lys). In summary, the available evidence is currently insufficient to determine the role of this variant in disease. Therefore, it has been classified as a Variant of Uncertain Significance. Algorithms developed to predict the effect of missense changes on protein structure and function output the following: SIFT: "Tolerated"; PolyPhen-2: "Benign"; Align-GVGD: "Class C0". The lysine amino acid residue is found in multiple mammalian species, which suggests that this missense change does not adversely affect protein function. ClinVar contains an entry for this variant (Variation ID: 1438645). This variant has not been reported in the literature in individuals affected with LAMA1-related conditions. This variant is present in population databases (rs144672024, gnomAD 0.07%).

GeneDx
Classification: Uncertain significance. Last evaluated: 2022-01-08. Review status: criteria provided, single submitter. Criteria: GeneDx Variant Classification Process June 2021. Collection method: clinical testing. Allele origin: germline. Affected: yes.
Comment: In silico analysis supports that this missense variant does not alter protein structure/function; Has not been previously published as pathogenic or benign to our knowledge

NM_005559.4(LAMA1):c.7847G>A (p.Arg2616Lys)

Gene: LAMA1 (laminin subunit alpha 1; minus strand). Cytogenetic location: 18p11.31.
Variant type: single nucleotide variant.
Coding change: c.7847G>A on transcript NM_005559.4 (MANE Select); coding-DNA position 7847, G replaced by A.
Protein change: p.Arg2616Lys; replaces arginine 2616 with lysine.
Molecular consequence: missense variant.
Genome position (GRCh38, 1-based): chr18:6,958,594, C>T on the plus strand (G>A on the coding strand, the complement: LAMA1 is on the minus strand). VCF-style: chr18-6958594-C-T. GRCh37 (hg19) VCF-style: chr18-6958593-C-T.
Other names: short protein forms R2616K.
Identifiers: ClinVar variation 1438645 (VCV001438645.8), dbSNP rs144672024, ClinGen allele CA8880765.